The following is an entry in ClinVar:

NM_004817.4(TJP2):c.61-6A>T

Gene: TJP2 (tight junction protein 2; plus strand). Cytogenetic location: 9q21.11.
Variant type: single nucleotide variant.
Coding change: c.61-6A>T on transcript NM_004817.4 (MANE Select); 6 bases into the intron before coding-DNA position 61, A replaced by T.
Molecular consequence: intron variant.
Genome position (GRCh38, 1-based): chr9:69,212,542, A>T. VCF-style: chr9-69212542-A-T. GRCh37 (hg19) VCF-style: chr9-71827458-A-T.
Other names: p.?; c.-9-6A>T (NM_001170414.2, NM_001369870.1, NM_001369871.1); c.61-6A>T (NM_201629.3, NM_001369872.1, NM_001369873.1); c.73-6A>T (NM_001170415.1, NM_001369875.1, NM_001369874.1); c.154-6A>T (NM_001170416.2).
Identifiers: ClinVar variation 165402 (VCV000165402.55), dbSNP rs200415824, ClinGen allele CA178160.

ClinVar aggregate classification (germline): Conflicting classifications of pathogenicity. Review status: criteria provided, conflicting classifications (1 of 4 stars). 8 submissions from 8 submitters: Uncertain significance (1); Likely benign (6). 1 of the submissions does not count toward it. Last evaluated 2026-06-01.

Conditions:
TJP2-related disorder. Also called: TJP2-related condition.

Allele frequency attached by ClinVar (database versions not stated): 1000 Genomes Project 0.00060; 1000 Genomes Project 30x 0.00062; ESP Exome Variant Server 0.00085; gnomAD exomes 0.00126; ExAC 0.00129; TOPMed 0.00132; gnomAD 0.00137 and 0.00145.
gnomAD v4.1: 2,907 of 1,611,756 alleles (0.18%); highest among the groups gnomAD compares: Non-Finnish European, 0.23%; 3 homozygotes.

Submissions (11):

CeGaT Center for Human Genetics Tuebingen
Classification: Likely benign. Last evaluated: 2026-06-01. Review status: criteria provided, single submitter. Criteria: CeGaT Center For Human Genetics Tuebingen Variant Classification Criteria Version 2. Collection method: clinical testing. Allele origin: germline. Affected: yes. Observed: 3 variant alleles.
Comment: TJP2: BP4, BS2

Labcorp Genetics (formerly Invitae), Labcorp
Classification: Likely benign. Last evaluated: 2026-01-08. Review status: criteria provided, single submitter. Criteria: Invitae Variant Classification Sherloc (09022015). Collection method: clinical testing. Allele origin: germline.

Mayo Clinic Laboratories, Mayo Clinic
Classification: Likely benign. Last evaluated: 2024-12-19. Review status: criteria provided, single submitter. Criteria: ACMG Guidelines, 2015. Collection method: clinical testing. Allele origin: germline. Observed: 1 variant allele.
Comment: BS1, BP4, BP7

Blueprint Genetics
Classification: Likely benign. Last evaluated: 2024-11-23. Review status: criteria provided, single submitter. Criteria: ACMG Guidelines, 2015. Collection method: clinical testing. Allele origin: germline.

GeneDx
Classification: Likely benign. Last evaluated: 2021-03-25. Review status: criteria provided, single submitter. Criteria: GeneDx Variant Classification Process June 2021. Collection method: clinical testing. Allele origin: germline. Affected: yes.

Eurofins Ntd Llc (ga)
Classification: Likely benign. Last evaluated: 2017-07-05. Review status: criteria provided, single submitter. Criteria: EGL Classification Definitions 2015. Collection method: clinical testing. Allele origin: germline. Observed: 6 variant alleles, 6 heterozygotes.

Laboratory for Molecular Medicine, Mass General Brigham Personalized Medicine
Classification: Uncertain significance. Last evaluated: 2013-08-30. Review status: criteria provided, single submitter. Criteria: LMM Criteria. Collection method: clinical testing. Allele origin: germline. Observed: 2 variant alleles.

PreventionGenetics, part of Exact Sciences
Classification: Likely benign for TJP2-related condition. Last evaluated: 2019-12-06. Review status: no assertion criteria provided. Collection method: clinical testing. Allele origin: germline. Not counted in ClinVar's aggregate classification.
Comment: This variant is classified as likely benign based on ACMG/AMP sequence variant interpretation guidelines (Richards et al. 2015 PMID: 25741868, with internal and published modifications).

Dr. Peter K. Rogan Lab, Western University
No classification provided (evidence only). Condition: Clear cell carcinoma of kidney. Review status: no classification provided. Collection method: in vitro. Allele origin: not applicable. Functional consequence: retained intron. Not counted in ClinVar's aggregate classification.

Dr. Peter K. Rogan Lab, Western University
No classification provided (evidence only). Condition: Familial cancer of breast. Review status: no classification provided. Collection method: in vitro. Allele origin: not applicable. Functional consequence: retained intron. Not counted in ClinVar's aggregate classification.

Dr. Peter K. Rogan Lab, Western University
No classification provided (evidence only). Condition: Gastric cancer. Review status: no classification provided. Collection method: in vitro. Allele origin: not applicable. Functional consequence: retained intron. Not counted in ClinVar's aggregate classification.